The following is an entry in ClinVar:

NM_020247.5(COQ8A):c.358G>A (p.Val120Met)

Gene: COQ8A (coenzyme Q8A; plus strand). Cytogenetic location: 1q42.13.
Variant type: single nucleotide variant.
Coding change: c.358G>A on transcript NM_020247.5 (MANE Select); coding-DNA position 358, G replaced by A.
Protein change: p.Val120Met; replaces valine 120 with methionine.
Molecular consequence: missense variant.
Genome position (GRCh38, 1-based): chr1:226,965,180, G>A. VCF-style: chr1-226965180-G-A. GRCh37 (hg19) VCF-style: chr1-227152881-G-A.
Other names: p.Val120Met; short protein forms V120M.
Identifiers: ClinVar variation 296009 (VCV000296009.18), dbSNP rs376347405, ClinGen allele CA1424995.

ClinVar aggregate classification (germline): Conflicting classifications of pathogenicity. Review status: criteria provided, conflicting classifications (1 of 4 stars). 5 submissions from 5 submitters: Uncertain significance (4); Likely benign (1). Last evaluated 2025-07-15.

Conditions:
Autosomal recessive ataxia due to ubiquinone deficiency. Also called: SPINOCEREBELLAR ATAXIA, AUTOSOMAL RECESSIVE 9; Coenzyme Q10 deficiency, primary, 4. Identifiers: Orphanet 139485, MedGen C2677589, MONDO:0012784, OMIM 612016.

Allele frequency attached by ClinVar (database versions not stated): gnomAD 0.00001 and 0.00008; TOPMed 0.00005; ESP Exome Variant Server 0.00015; 1000 Genomes Project 0.00040; 1000 Genomes Project 30x 0.00047.
gnomAD v4.1: 154 of 1,613,702 alleles (0.0095%); highest among the groups gnomAD compares: South Asian, 0.11%; no homozygotes.

Submissions (5):

GeneDx
Classification: Uncertain significance. Last evaluated: 2025-07-15. Review status: criteria provided, single submitter. Criteria: GeneDx Variant Classification Process June 2021. Collection method: clinical testing. Allele origin: germline. Affected: yes.
Comment: In silico analysis suggests that this missense variant does not alter protein structure/function; Has not been previously published as pathogenic or benign to our knowledge

Labcorp Genetics (formerly Invitae), Labcorp
Classification: Likely benign. Last evaluated: 2024-11-22. Review status: criteria provided, single submitter. Criteria: Invitae Variant Classification Sherloc (09022015). Collection method: clinical testing. Allele origin: germline.

Mayo Clinic Laboratories, Mayo Clinic
Classification: Uncertain significance. Last evaluated: 2022-08-29. Review status: criteria provided, single submitter. Criteria: ACMG Guidelines, 2015. Collection method: clinical testing. Allele origin: germline. Observed: 1 variant allele.
Comment: BP4

Athena Diagnostics
Classification: Uncertain significance. Last evaluated: 2018-09-18. Review status: criteria provided, single submitter. Criteria: Athena Diagnostics Criteria. Collection method: clinical testing. Allele origin: germline.

Illumina Laboratory Services, Illumina
Classification: Uncertain significance for Autosomal recessive ataxia due to ubiquinone deficiency. Last evaluated: 2018-01-13. Review status: criteria provided, single submitter. Criteria: ICSL Variant Classification Criteria 13 December 2019. Collection method: clinical testing. Allele origin: germline.